The following is an entry in ClinVar:

NM_182914.3(SYNE2):c.9252C>T (p.Ala3084=)

Gene: SYNE2 (spectrin repeat containing nuclear envelope protein 2; plus strand). Cytogenetic location: 14q23.2.
Variant type: single nucleotide variant.
Coding change: c.9252C>T on transcript NM_182914.3 (MANE Select); coding-DNA position 9252, C replaced by T.
Protein change: p.Ala3084=; no amino-acid change (alanine 3084 retained).
Molecular consequence: synonymous variant.
Genome position (GRCh38, 1-based): chr14:64,053,165, C>T. VCF-style: chr14-64053165-C-T. GRCh37 (hg19) VCF-style: chr14-64519883-C-T.
Other names: c.9252C>T, p.Ala3084= (NM_015180.6).
Identifiers: ClinVar variation 282618 (VCV000282618.19), dbSNP rs200061977, ClinGen allele CA7221239.

ClinVar aggregate classification (germline): Conflicting classifications of pathogenicity. Review status: criteria provided, conflicting classifications (1 of 4 stars). 3 submissions from 3 submitters: Uncertain significance (1); Benign (1); Likely benign (1). Last evaluated 2026-01-04.

Conditions:
Emery-Dreifuss muscular dystrophy 5, autosomal dominant (EDMD5). Also called: EMERY-DREIFUSS MUSCULAR DYSTROPHY 5. Identifiers: Orphanet 261, MedGen C2751805, MONDO:0013072, OMIM 612999.

Allele frequency attached by ClinVar (database versions not stated): gnomAD 0.00003 and 0.00007; TOPMed 0.00003; gnomAD exomes 0.00008 and 0.00014; ExAC 0.00012; 1000 Genomes Project 30x 0.00047; 1000 Genomes Project 0.00060.
gnomAD v4.1: 210 of 1,613,856 alleles (0.013%); highest among the groups gnomAD compares: East Asian, 0.46%; no homozygotes.

Submissions (3):

Labcorp Genetics (formerly Invitae), Labcorp
Classification: Likely benign for Emery-Dreifuss muscular dystrophy 5, autosomal dominant. Last evaluated: 2026-01-04. Review status: criteria provided, single submitter. Criteria: Invitae Variant Classification Sherloc (09022015). Collection method: clinical testing. Allele origin: germline.

Illumina Laboratory Services, Illumina
Classification: Benign for Emery-Dreifuss muscular dystrophy 5, autosomal dominant. Last evaluated: 2018-01-12. Review status: criteria provided, single submitter. Criteria: ICSL Variant Classification Criteria 13 December 2019. Collection method: clinical testing. Allele origin: germline.
Comment: This variant was observed in the ICSL laboratory as part of a predisposition screen in an ostensibly healthy population. It had not been previously curated by ICSL or reported in the Human Gene Mutation Database (HGMD: prior to June 1st, 2018), and was therefore a candidate for classification through an automated scoring system. Utilizing variant allele frequency, disease prevalence and penetrance estimates, and inheritance mode, an automated score was calculated to assess if this variant is too frequent to cause the disease. Based on the score and internal cut-off values, a variant classified as benign is not then subjected to further curation. The score for this variant resulted in a classification of benign for this disease.

Eurofins Ntd Llc (ga)
Classification: Uncertain significance. Last evaluated: 2015-08-13. Review status: criteria provided, single submitter. Criteria: EGL Classification Definitions 2015. Collection method: clinical testing. Allele origin: germline. Observed: 1 variant allele, 1 heterozygote.